The following is an entry in ClinVar:

NM_000166.6(GJB1):c.-17G>A

Gene: GJB1 (gap junction protein beta 1; plus strand). Cytogenetic location: Xq13.1.
Variant type: single nucleotide variant.
Coding change: c.-17G>A on transcript NM_000166.6 (MANE Select); 17 bases upstream of the start codon, G replaced by A.
Molecular consequence: 5 prime UTR variant. On other transcripts: intron variant (1).
Genome position (GRCh38, 1-based): chrX:71,223,335, G>A. VCF-style: chrX-71223335-G-A. GRCh37 (hg19) VCF-style: chrX-70443185-G-A.
Other names: c.-16-357G>A (NM_001097642.3).
Identifiers: ClinVar variation 246014 (VCV000246014.23), dbSNP rs879254047, ClinGen allele CA10584632.

ClinVar aggregate classification (germline): Pathogenic/Likely pathogenic. Review status: criteria provided, multiple submitters, no conflicts (2 of 4 stars). 6 submissions from 6 submitters: Pathogenic (5); Likely pathogenic (1). Last evaluated 2025-12-31.

Conditions:
Charcot-Marie-Tooth Neuropathy X. Identifiers: MedGen CN118851.
Charcot-Marie-Tooth disease X-linked dominant 1. Also called: CHARCOT-MARIE-TOOTH NEUROPATHY, X-LINKED, 1; CHARCOT-MARIE-TOOTH PERONEAL MUSCULAR ATROPHY, X-LINKED; HEREDITARY MOTOR AND SENSORY NEUROPATHY, X-LINKED; HMSN, X-LINKED; Charcot-Marie-Tooth Neuropathy X Type 1; X-linked Charcot-Marie-Tooth disease type 1. Identifiers: Orphanet 101075, MedGen C0393808, MONDO:0010549, OMIM 302800.

Submissions (6):

Labcorp Genetics (formerly Invitae), Labcorp
Classification: Pathogenic for Charcot-Marie-Tooth Neuropathy X. Last evaluated: 2025-12-31. Review status: criteria provided, single submitter. Criteria: Invitae Variant Classification Sherloc (09022015). Collection method: clinical testing. Allele origin: germline.
Comment: This variant occurs in a non-coding region of the GJB1 gene. It does not change the encoded amino acid sequence of the GJB1 protein. This variant also falls at the last nucleotide of exon 1, which is part of the consensus splice site for this exon. The frequency data for this variant in the population databases is considered unreliable, as metrics indicate insufficient coverage at this position in the gnomAD database. This variant has been observed in individuals with Charcot-Marie-Tooth disease (PMID: 21504505, 22464564, 26392352, 28283593, 28768847; internal datadatabase). It has also been observed to segregate with disease in related individuals. This variant is also known as c.-373G>A. ClinVar contains an entry for this variant (Variation ID: 246014). Variants that disrupt the consensus splice site are a relatively common cause of aberrant splicing (PMID: 17576681, 9536098). For these reasons, this variant has been classified as Pathogenic.

Women's Health and Genetics/Laboratory Corporation of America, LabCorp
Classification: Pathogenic for Charcot-Marie-Tooth disease X-linked dominant 1. Last evaluated: 2024-08-13. Review status: criteria provided, single submitter. Criteria: LabCorp Variant Classification Summary - May 2015. Collection method: clinical testing. Allele origin: germline.
Comment: Variant summary: GJB1 c.-17G>A (also known as -373G>A) is located in the untranslated mRNA region upstream of the initiation codon. The variant was absent in 21639 control chromosomes. c.-17G>A has been reported in the literature in multiple individuals affected with Charcot-Marie-Tooth disease X-linked dominant 1 (example: Murphy_2011). These data indicate that the variant is very likely to be associated with disease. The following publication has been ascertained in the context of this evaluation (PMID: 21504505). ClinVar contains an entry for this variant (Variation ID: 246014). Based on the evidence outlined above, the variant was classified as pathogenic.

MGZ Medical Genetics Center
Classification: Pathogenic for Charcot-Marie-Tooth disease X-linked dominant 1. Last evaluated: 2021-12-01. Review status: criteria provided, single submitter. Criteria: ACMG Guidelines, 2015. Collection method: clinical testing. Allele origin: germline. Affected: yes. Observed: 1 variant allele.
Comment: ACMG criteria applied: PVS1, PS4, PM2_SUP

GeneDx
Classification: Likely pathogenic. Last evaluated: 2021-06-29. Review status: criteria provided, single submitter. Criteria: GeneDx Variant Classification Process June 2021. Collection method: clinical testing. Allele origin: germline. Affected: yes.
Comment: No data available from control populations to assess the frequency of this variant; This variant is associated with the following publications: (PMID: 23011429, 22464564, 28768847, 26392352, 31827005, 21504505, 28283593)

Athena Diagnostics
Classification: Pathogenic. Last evaluated: 2020-07-28. Review status: criteria provided, single submitter. Criteria: Athena Diagnostics Criteria. Collection method: clinical testing. Allele origin: unknown.
Comment: Not found in the gnomAD genomes dataset, and the data is high quality. Found in at least one patient with expected phenotype for this gene. Splicing predictions are inconclusive. Nucleotide conservation is uninformative. Strong co-segregation with disease, and data includes affected and unaffected individuals from multiple families.

Illumina Laboratory Services, Illumina
Classification: Pathogenic for X-linked hereditary motor and sensory neuropathy. Last evaluated: 2020-03-11. Review status: criteria provided, single submitter. Criteria: ICSLVariantClassificationCriteria RUGD 01 April 2020. Collection method: clinical testing. Allele origin: unknown.
Comment: The GJB1 c.-17G>A variant occurs in the last base of the 5' untranslated region. This variant has been reported in at least four studies, in which it is found in a total of 26 individuals from eight unrelated families with Charcot-Marie-Tooth neuropathy X type 1 disorder (CMT1X) (Murphy et al. 2011; Arthur-Farraj et al. 2012; Antoniadi et al. 2015; Tomaselli et al. 2017). Affected individuals included both heterozygous females and hemizygous males, and this variant was shown to segregate with disease in five families (Murphy et al. 2011; Tomaselli et al. 2017). The c.-17G>A variant is not found in the Genome Aggregation Database despite good sequence coverage, so the variant is presumed to be rare. Based on the collective evidence and application of the ACMG criteria, the c.-17G>A variant is classified as pathogenic for Charcot-Marie-Tooth neuropathy X type 1.

Literature cited by the submitters: PubMed 21504505 (cited by 4 submitters); PubMed 22464564 (cited by 3 submitters); PubMed 26392352 (cited by 3 submitters); PubMed 28283593 (cited by 3 submitters); PubMed 28768847 (cited by Labcorp Genetics (formerly Invitae), Labcorp and Athena Diagnostics); PubMed 17576681 (cited by Labcorp Genetics (formerly Invitae), Labcorp); PubMed 9536098 (cited by Labcorp Genetics (formerly Invitae), Labcorp).